The following is an entry in ClinVar:

ClinVar aggregate classification (germline): Uncertain significance (1 of 4 stars; one submission).

Allele frequency attached by ClinVar (database versions not stated): gnomAD 0.00001; ExAC 0.00002; TOPMed 0.00002.
gnomAD v4.1: 9 of 1,597,198 alleles (0.00056%); highest among the groups gnomAD compares: Admixed American, 0.0018%; no homozygotes.

Submission:

Labcorp Genetics (formerly Invitae), Labcorp
Classification: Uncertain significance. Last evaluated: 2023-11-20. Review status: criteria provided, single submitter. Criteria: Invitae Variant Classification Sherloc (09022015). Collection method: clinical testing. Allele origin: germline.
Comment: This sequence change replaces arginine, which is basic and polar, with cysteine, which is neutral and slightly polar, at codon 464 of the AHDC1 protein (p.Arg464Cys). The frequency data for this variant in the population databases is considered unreliable, as metrics indicate poor data quality at this position in the gnomAD database. This variant has not been reported in the literature in individuals affected with AHDC1-related conditions. An algorithm developed to predict the effect of missense changes on protein structure and function (PolyPhen-2) suggests that this variant is likely to be disruptive. In summary, the available evidence is currently insufficient to determine the role of this variant in disease. Therefore, it has been classified as a Variant of Uncertain Significance.

NM_001371928.1(AHDC1):c.1390C>T (p.Arg464Cys)

Gene: AHDC1 (AT-hook DNA binding motif containing 1; minus strand). Cytogenetic location: 1p36.11.
Variant type: single nucleotide variant.
Coding change: c.1390C>T on transcript NM_001371928.1 (MANE Select); coding-DNA position 1390, C replaced by T.
Protein change: p.Arg464Cys; replaces arginine 464 with cysteine.
Molecular consequence: missense variant.
Genome position (GRCh38, 1-based): chr1:27,550,726, G>A on the plus strand (C>T on the coding strand, the complement: AHDC1 is on the minus strand). VCF-style: chr1-27550726-G-A. GRCh37 (hg19) VCF-style: chr1-27877237-G-A.
Other names: c.1390C>T, p.Arg464Cys (NM_001029882.3); short protein forms R464C.
Identifiers: ClinVar variation 2888087 (VCV002888087.3), dbSNP rs766550931, ClinGen allele CA715953.
Genomic context (GRCh38, chr1:27,550,726, plus strand): 5'-ATACGGGGATCTTGGCCATCTTCACCACCATGCGCCGCACGCCCCGGCACTTGCCTTTGC[G>A]GGTAGAGACCACTGGGGTCTGGGAAGATTCCGGCTTCAACTCTGGGACTGAGACCGGGCC-3'
Protein context (NP_001358857.1, residues 454-474): ESSQTPVVST[Arg464Cys]KGKCRGVRRM